The following is an entry in ClinVar:

NM_005159.4(ACTC1):c.*2053G>T

Genes: ACTC1 (actin alpha cardiac muscle 1; minus strand), GJD2-DT (GJD2 divergent transcript; plus strand). Cytogenetic location: 15q14.
Variant type: single nucleotide variant.
Coding change: c.*2053G>T on transcript NM_005159.4; 2053 bases downstream of the stop codon, G replaced by T.
Genome position (GRCh38, 1-based): chr15:34,788,359, C>A on the plus strand (G>T on the coding strand, the complement: ACTC1 is on the minus strand). VCF-style: chr15-34788359-C-A. GRCh37 (hg19) VCF-style: chr15-35080560-C-A.
Identifiers: ClinVar variation 888010 (VCV000888010.6), dbSNP rs79955486, ClinGen allele CA268658133.

ClinVar aggregate classification (germline): Likely benign. Review status: criteria provided, single submitter (1 of 4 stars). 2 submissions from 1 submitter: Likely benign (2). Last evaluated 2018-01-12.

Conditions:
Hypertrophic cardiomyopathy 11. Also called: ACTC1-Related Familial Hypertrophic Cardiomyopathy. Identifiers: MedGen C2677506, MONDO:0012799, OMIM 612098.
Dilated cardiomyopathy 1R (CMD1R). Identifiers: Orphanet 154, Orphanet 54260, MedGen C3150681, MONDO:0013261, OMIM 613424.

Allele frequency attached by ClinVar (database versions not stated): TOPMed 0.00745; 1000 Genomes Project 0.00499; 1000 Genomes Project 30x 0.00531.

Submissions (2):

Illumina Laboratory Services, Illumina
Classification: Likely benign for Dilated cardiomyopathy 1R. Last evaluated: 2018-01-12. Review status: criteria provided, single submitter. Criteria: ICSL Variant Classification Criteria 13 December 2019. Collection method: clinical testing. Allele origin: germline.
Comment: This variant was observed in the ICSL laboratory as part of a predisposition screen in an ostensibly healthy population. It had not been previously curated by ICSL or reported in the Human Gene Mutation Database (HGMD: prior to June 1st, 2018), and was therefore a candidate for classification through an automated scoring system. Utilizing variant allele frequency, disease prevalence and penetrance estimates, and inheritance mode, an automated score was calculated to assess if this variant is too frequent to cause the disease. Based on the score and internal cut-off values, a variant classified as likely benign is not then subjected to further curation. The score for this variant resulted in a classification of likely benign for this disease.

Illumina Laboratory Services, Illumina
Classification: Likely benign for Hypertrophic cardiomyopathy 11. Last evaluated: 2018-01-12. Review status: criteria provided, single submitter. Criteria: ICSL Variant Classification Criteria 13 December 2019. Collection method: clinical testing. Allele origin: germline.
Comment: the same text as in the submission from Illumina Laboratory Services, Illumina above.